The following is an entry in ClinVar:

NM_018192.4(P3H2):c.494A>G (p.Glu165Gly)

Gene: P3H2 (prolyl 3-hydroxylase 2; minus strand). Cytogenetic location: 3q28.
Variant type: single nucleotide variant.
Coding change: c.494A>G on transcript NM_018192.4 (MANE Select); coding-DNA position 494, A replaced by G.
Protein change: p.Glu165Gly; replaces glutamic acid 165 with glycine.
Molecular consequence: missense variant. On other transcripts: 5 prime UTR variant (1).
Genome position (GRCh38, 1-based): chr3:189,995,429, T>C on the plus strand (A>G on the coding strand, the complement: P3H2 is on the minus strand). VCF-style: chr3-189995429-T-C. GRCh37 (hg19) VCF-style: chr3-189713218-T-C.
Other names: c.-50A>G (NM_001134418.2); c.494A>G (NM_018192.3); short protein forms E165G.
Identifiers: ClinVar variation 1000619 (VCV001000619.4), dbSNP rs753266253, ClinGen allele CA2753326.

ClinVar aggregate classification (germline): Uncertain significance. Review status: criteria provided, multiple submitters, no conflicts (2 of 4 stars). 2 submissions from 2 submitters: Uncertain significance (2). Last evaluated 2025-09-14.

Conditions:
P3H2-related disorder. Also called: P3H2-related condition.

Allele frequency attached by ClinVar (database versions not stated): gnomAD 0.00001 and 0.00002; gnomAD exomes 0.00001 and 0.00002; TOPMed 0.00001; ExAC 0.00002.
gnomAD v4.1: 19 of 1,613,674 alleles (0.0012%); highest among the groups gnomAD compares: South Asian, 0.0022%; no homozygotes.

Submissions (2):

PreventionGenetics, part of Exact Sciences
Classification: Uncertain significance for P3H2-related condition. Last evaluated: 2025-09-14. Review status: criteria provided, single submitter. Criteria: ACMG Guidelines, 2015. Collection method: clinical testing. Allele origin: germline.
Comment: The P3H2 c.494A>G variant is predicted to result in the amino acid substitution p.Glu165Gly. To our knowledge, this variant has not been reported in the literature. This variant is reported in 0.0035% of alleles in individuals of European (Non-Finnish) descent in gnomAD. At this time, the clinical significance of this variant is uncertain due to the absence of conclusive functional and genetic evidence.

Labcorp Genetics (formerly Invitae), Labcorp
Classification: Uncertain significance. Last evaluated: 2022-11-08. Review status: criteria provided, single submitter. Criteria: Invitae Variant Classification Sherloc (09022015). Collection method: clinical testing. Allele origin: germline.
Comment: In summary, the available evidence is currently insufficient to determine the role of this variant in disease. Therefore, it has been classified as a Variant of Uncertain Significance. Advanced modeling of protein sequence and biophysical properties (such as structural, functional, and spatial information, amino acid conservation, physicochemical variation, residue mobility, and thermodynamic stability) performed at Invitae indicates that this missense variant is not expected to disrupt P3H2 protein function. ClinVar contains an entry for this variant (Variation ID: 1000619). This variant has not been reported in the literature in individuals affected with P3H2-related conditions. This variant is present in population databases (rs753266253, gnomAD 0.004%). This sequence change replaces glutamic acid, which is acidic and polar, with glycine, which is neutral and non-polar, at codon 165 of the P3H2 protein (p.Glu165Gly).